The following is an entry in ClinVar:

ClinVar aggregate classification (germline): Conflicting classifications of pathogenicity. Review status: criteria provided, conflicting classifications (1 of 4 stars). 2 submissions from 2 submitters: Uncertain significance (1); Likely benign (1). Last evaluated 2026-01-19.

Conditions:
Inborn genetic diseases. Identifiers: MedGen C0950123, MeSH D030342.

Allele frequency attached by ClinVar (database versions not stated): gnomAD 0.00002; ExAC 0.00004; gnomAD exomes 0.00005; TOPMed 0.00005; ESP Exome Variant Server 0.00008.
gnomAD v4.1: 37 of 1,614,130 alleles (0.0023%); highest among the groups gnomAD compares: East Asian, 0.016%; no homozygotes.

Submissions (2):

Labcorp Genetics (formerly Invitae), Labcorp
Classification: Uncertain significance. Last evaluated: 2026-01-19. Review status: criteria provided, single submitter. Criteria: Invitae Variant Classification Sherloc (09022015). Collection method: clinical testing. Allele origin: germline.
Comment: This sequence change replaces glutamic acid, which is acidic and polar, with lysine, which is basic and polar, at codon 1582 of the COL4A2 protein (p.Glu1582Lys). This variant is present in population databases (rs376636910, gnomAD 0.02%). This variant has not been reported in the literature in individuals affected with COL4A2-related conditions. ClinVar contains an entry for this variant (Variation ID: 1426232). Invitae Evidence Modeling of protein sequence and biophysical properties (such as structural, functional, and spatial information, amino acid conservation, physicochemical variation, residue mobility, and thermodynamic stability) indicates that this missense variant is not expected to disrupt COL4A2 protein function with a negative predictive value of 95%. In summary, the available evidence is currently insufficient to determine the role of this variant in disease. Therefore, it has been classified as a Variant of Uncertain Significance.

Ambry Genetics
Classification: Likely benign for Inborn genetic diseases. Last evaluated: 2023-07-12. Review status: criteria provided, single submitter. Criteria: Ambry Variant Classification Scheme 2023. Collection method: clinical testing. Allele origin: germline.

NM_001846.4(COL4A2):c.4744G>A (p.Glu1582Lys)

Genes: COL4A2 (collagen type IV alpha 2 chain; plus strand), COL4A2-AS1 (COL4A2 antisense RNA 1; minus strand). Cytogenetic location: 13q34.
Variant type: single nucleotide variant.
Coding change: c.4744G>A on transcript NM_001846.4 (MANE Select); coding-DNA position 4744, G replaced by A.
Protein change: p.Glu1582Lys; replaces glutamic acid 1582 with lysine.
Molecular consequence: missense variant.
Genome position (GRCh38, 1-based): chr13:110,508,084, G>A. VCF-style: chr13-110508084-G-A. GRCh37 (hg19) VCF-style: chr13-111160431-G-A.
Other names: c.4744G>A (NM_001846.2); short protein forms E1582K.
Identifiers: ClinVar variation 1426232 (VCV001426232.7), dbSNP rs376636910, ClinGen allele CA7050642.